The following is an entry in ClinVar:

ClinVar aggregate classification (germline): Pathogenic. Review status: criteria provided, single submitter (1 of 4 stars). 2 submissions from 2 submitters: Pathogenic (1). 1 of the submissions does not count toward it. Last evaluated 2015-05-06.

Conditions:
Ehlers-Danlos syndrome, type 4 (EDSVASC). Also called: Ehlers-Danlos syndrome vascular type; Ehlers Danlos syndrome, ecchymotic type; Ehlers Danlos syndrome, arterial type; Ehlers Danlos syndrome, Sack-Barabas type; Ehlers-Danlos Syndrome Type IV. Identifiers: Orphanet 286, MedGen C0268338, MONDO:0017314, OMIM 130050.

Submissions (2):

GeneDx
Classification: Pathogenic. Last evaluated: 2015-05-06. Review status: criteria provided, single submitter. Criteria: GeneDx Variant Classification (06012015). Collection method: clinical testing. Allele origin: germline. Affected: yes.
Comment: The G423D variant in the COL3A1 gene has been reported in a cohort of individuals with suspectedvascular-type EDS (Pepin et al., 2014). G423D results in a non-conservative amino acid substitution at aposition that is conserved across species. The G423D variant affects a Glycine residue in a Gly-X-Y motif in the triple helical region of the COL3A1 gene, where the majority of missense variants occur(Stenson et al., 2014; Symoens et al., 2012). Furthermore, the G423D variant was not observed inapproximately 6,500 individuals of European and African American ancestry in the NHLBI ExomeSequencing Project, indicating it is not a common benign variant in these populations.Therefore, we consider this variant to be pathogenic.

Collagen Diagnostic Laboratory, University of Washington
Classification: Pathogenic for Ehlers-Danlos syndrome, type 4. Review status: no assertion criteria provided. Collection method: clinical testing. Allele origin: germline. Affected: yes. Not counted in ClinVar's aggregate classification.

NM_000090.4(COL3A1):c.1268G>A (p.Gly423Asp)

Gene: COL3A1 (collagen type III alpha 1 chain; plus strand). Cytogenetic location: 2q32.2.
Variant type: single nucleotide variant.
Coding change: c.1268G>A on transcript NM_000090.4 (MANE Select); coding-DNA position 1268, G replaced by A.
Protein change: p.Gly423Asp; replaces glycine 423 with aspartic acid.
Molecular consequence: missense variant.
Genome position (GRCh38, 1-based): chr2:188,994,307, G>A. VCF-style: chr2-188994307-G-A. GRCh37 (hg19) VCF-style: chr2-189859033-G-A.
Identifiers: ClinVar variation 101299 (VCV000101299.2), dbSNP rs587779586, ClinGen allele CA004193.